The following is an entry in ClinVar:

NM_002693.3(POLG):c.627C>T (p.Pro209=)

Genes: POLG (DNA polymerase gamma, catalytic subunit; minus strand), POLGARF (POLG alternative reading frame; minus strand). Cytogenetic location: 15q26.1.
Variant type: single nucleotide variant.
Coding change: c.627C>T on transcript NM_002693.3 (MANE Select); coding-DNA position 627, C replaced by T.
Protein change: p.Pro209=; no amino-acid change (proline 209 retained).
Molecular consequence: synonymous variant.
Genome position (GRCh38, 1-based): chr15:89,333,128, G>A on the plus strand (C>T on the coding strand, the complement: POLG is on the minus strand). VCF-style: chr15-89333128-G-A. GRCh37 (hg19) VCF-style: chr15-89876359-G-A.
Other names: c.627C>T, p.Pro209= (NM_001126131.2).
Identifiers: ClinVar variation 2645692 (VCV002645692.24), dbSNP rs2509274723, ClinGen allele CA492289879.

ClinVar aggregate classification (germline): Uncertain significance (1 of 4 stars; one submission).

Allele frequency attached by ClinVar (database versions not stated): gnomAD exomes below 0.00001.
gnomAD v4.1: 1 of 1,525,166 alleles (0.000066%); highest among the groups gnomAD compares: Non-Finnish European, 0.000088%; no homozygotes.

Submission:

CeGaT Center for Human Genetics Tuebingen
Classification: Uncertain significance. Last evaluated: 2022-05-01. Review status: criteria provided, single submitter. Criteria: CeGaT Center For Human Genetics Tuebingen Variant Classification Criteria Version 2. Collection method: clinical testing. Allele origin: germline. Affected: yes. Observed: 1 variant allele.
Comment: POLG: PM2